The following is an entry in ClinVar:

ClinVar aggregate classification (germline): Pathogenic/Likely pathogenic. Review status: criteria provided, multiple submitters, no conflicts (2 of 4 stars). 4 submissions from 4 submitters: Pathogenic (1); Likely pathogenic (2). 1 of the submissions does not count toward it. Last evaluated 2025-12-23.

Conditions:
SOD1-related disorder. Also called: SOD1-related condition.
Amyotrophic lateral sclerosis type 1 (ALS1). Also called: AMYOTROPHIC LATERAL SCLEROSIS 1, FAMILIAL. Identifiers: Orphanet 803, MedGen C1862939, MONDO:0007103, OMIM 105400.

Allele frequency attached by ClinVar (database versions not stated): gnomAD exomes below 0.00001 and 0.00001.
gnomAD v4.1: 2 of 1,612,832 alleles (0.00012%); highest among the groups gnomAD compares: Admixed American, 0.0033%; no homozygotes.

Submissions (4):

Labcorp Genetics (formerly Invitae), Labcorp
Classification: Likely pathogenic for Amyotrophic lateral sclerosis type 1. Last evaluated: 2025-12-23. Review status: criteria provided, single submitter. Criteria: Invitae Variant Classification Sherloc (09022015). Collection method: clinical testing. Allele origin: germline.
Comment: This sequence change replaces valine, which is neutral and non-polar, with leucine, which is neutral and non-polar, at codon 120 of the SOD1 protein (p.Val120Leu). This variant is present in population databases (no rsID available, gnomAD 0.006%). This missense change has been observed in individuals with amyotrophic lateral sclerosis (PMID: 32619288, 33408239, 33618928; internal data). ClinVar contains an entry for this variant (Variation ID: 1489352). An algorithm developed to predict the effect of missense changes on protein structure and function (PolyPhen-2) suggests that this variant is likely to be disruptive. This variant disrupts the p.Val120 amino acid residue in SOD1. Other variant(s) that disrupt this residue have been observed in individuals with SOD1-related conditions (PMID: 28291249), which suggests that this may be a clinically significant amino acid residue. In summary, the currently available evidence indicates that the variant is pathogenic, but additional data are needed to prove that conclusively. Therefore, this variant has been classified as Likely Pathogenic.

Genetics Department, Catlab
Classification: Pathogenic for Amyotrophic lateral sclerosis type 1. Last evaluated: 2024-04-22. Review status: criteria provided, single submitter. Criteria: ACMG Guidelines, 2015. Collection method: clinical testing. Allele origin: germline. Affected: yes. Observed: 1 variant allele.
Comment: The c.358G>C variant in the SOD1 gene is a missense variant that has been previously detected in multiple patients and families with ALS (PMID: 33618928, 36484631, 36979682, 32619288, 32619288) (PS4_Moderate) and has an extremely low frequency in gnomAD 4.1 (AF=1.3e-06) (PM2). Missense variants are a common mechanism of disease in SOD1 (PP2) and the variant is located in a region with multiple pathogenic missense variants and without benign variation (PM1). Another variant in the same position leading to a different amino acid change has been described as likely pathogenic (PMID: 28291249) (PM5_Supporting) and the REVEL value is 0,785 (PP3_Moderate). With all the available evidence, the variant is classified as pathogenic.

Laboratorio de Genetica e Diagnostico Molecular, Hospital Israelita Albert Einstein
Classification: Likely pathogenic. Last evaluated: 2019-09-19. Review status: criteria provided, single submitter. Criteria: ACMG Guidelines, 2015. Collection method: clinical testing. Allele origin: germline. Affected: yes.
Comment: ACMG classification criteria: PM1, PM2, PP2, PP3

PreventionGenetics, part of Exact Sciences
Classification: Likely pathogenic for SOD1-related condition. Last evaluated: 2024-09-23. Review status: no assertion criteria provided. Collection method: clinical testing. Allele origin: germline. Not counted in ClinVar's aggregate classification.
Comment: The SOD1 c.358G>C variant is predicted to result in the amino acid substitution p.Val120Leu. This variant was reported in individuals with phenotypes consistent with amyotrophic lateral sclerosis (de Fuenmayor et al. 2020. PubMed ID: 32619288; Nunes Gonçalves et al. 2021. PubMed ID: 33618928). This variant is reported in 0.0058% of alleles in individuals of Latino descent in gnomAD. In addition, another missense variant resulting in a different substitution at the same residue (p.Val120Phe) has been reported in an individual with amyotrophic lateral sclerosis (Wei et al. 2017. PubMed ID: 28291249). Taken together, the c.358G>C (p.Val120Leu) variant is interpreted as likely pathogenic.

Literature cited by the submitters: PubMed 32619288 (cited by Labcorp Genetics (formerly Invitae), Labcorp and Genetics Department, Catlab); PubMed 33408239 (cited by Labcorp Genetics (formerly Invitae), Labcorp); PubMed 33618928 (cited by Labcorp Genetics (formerly Invitae), Labcorp and Genetics Department, Catlab); PubMed 28291249 (cited by Labcorp Genetics (formerly Invitae), Labcorp); PubMed 36484631 (cited by Genetics Department, Catlab); PubMed 36979682 (cited by Genetics Department, Catlab).

NM_000454.5(SOD1):c.358G>C (p.Val120Leu)

Gene: SOD1 (superoxide dismutase 1; plus strand). Cytogenetic location: 21q22.11.
Variant type: single nucleotide variant.
Coding change: c.358G>C on transcript NM_000454.5 (MANE Select); coding-DNA position 358, G replaced by C.
Protein change: p.Val120Leu; replaces valine 120 with leucine.
Molecular consequence: missense variant.
Genome position (GRCh38, 1-based): chr21:31,668,471, G>C. VCF-style: chr21-31668471-G-C. GRCh37 (hg19) VCF-style: chr21-33040784-G-C.
Other names: c.358G>C (NM_000454.4); short protein forms V120L.
Identifiers: ClinVar variation 1489352 (VCV001489352.12), dbSNP rs1457889952, ClinGen allele CA410037621.